The following is an entry in ClinVar:

NM_152383.5(DIS3L2):c.2423A>G (p.Gln808Arg)

Gene: DIS3L2 (DIS3 like 3'-5' exoribonuclease 2; plus strand). Cytogenetic location: 2q37.1.
Variant type: single nucleotide variant.
Coding change: c.2423A>G on transcript NM_152383.5 (MANE Select); coding-DNA position 2423, A replaced by G.
Protein change: p.Gln808Arg; replaces glutamine 808 with arginine.
Molecular consequence: missense variant. On other transcripts: non-coding transcript variant (2), intron variant (1).
Genome position (GRCh38, 1-based): chr2:232,335,801, A>G. VCF-style: chr2-232335801-A-G. GRCh37 (hg19) VCF-style: chr2-233200511-A-G.
Other names: c.1582-7544A>G (NM_001257281.2); short protein forms Q808R.
Identifiers: ClinVar variation 2840322 (VCV002840322.3), dbSNP rs2469452795, ClinGen allele CA350978195.

ClinVar aggregate classification (germline): Uncertain significance (1 of 4 stars; one submission).

Conditions:
Perlman syndrome (PRLMNS). Identifiers: Orphanet 2849, MedGen C0796113, MONDO:0009965, OMIM 267000.

Submission:

Labcorp Genetics (formerly Invitae), Labcorp
Classification: Uncertain significance for Perlman syndrome. Last evaluated: 2023-03-14. Review status: criteria provided, single submitter. Criteria: Invitae Variant Classification Sherloc (09022015). Collection method: clinical testing. Allele origin: germline.
Comment: This sequence change replaces glutamine, which is neutral and polar, with arginine, which is basic and polar, at codon 808 of the DIS3L2 protein (p.Gln808Arg). In summary, the available evidence is currently insufficient to determine the role of this variant in disease. Therefore, it has been classified as a Variant of Uncertain Significance. Advanced modeling of protein sequence and biophysical properties (such as structural, functional, and spatial information, amino acid conservation, physicochemical variation, residue mobility, and thermodynamic stability) performed at Invitae indicates that this missense variant is not expected to disrupt DIS3L2 protein function. This variant has not been reported in the literature in individuals affected with DIS3L2-related conditions. This variant is not present in population databases (gnomAD no frequency).